The following is an entry in ClinVar:

NM_014908.4(DOLK):c.1450A>G (p.Ile484Val)

Gene: DOLK (dolichol kinase; minus strand). Cytogenetic location: 9q34.11.
Variant type: single nucleotide variant.
Coding change: c.1450A>G on transcript NM_014908.4 (MANE Select); coding-DNA position 1450, A replaced by G.
Protein change: p.Ile484Val; replaces isoleucine 484 with valine.
Molecular consequence: missense variant.
Genome position (GRCh38, 1-based): chr9:128,945,854, T>C on the plus strand (A>G on the coding strand, the complement: DOLK is on the minus strand). VCF-style: chr9-128945854-T-C. GRCh37 (hg19) VCF-style: chr9-131708133-T-C.
Other names: short protein forms I484V.
Identifiers: ClinVar variation 226616 (VCV000226616.49), dbSNP rs147630977, ClinGen allele CA5271559.

ClinVar aggregate classification (germline): Benign/Likely benign. Review status: criteria provided, multiple submitters, no conflicts (2 of 4 stars). 10 submissions from 10 submitters: Benign (4); Likely benign (6). Last evaluated 2026-04-03.

Conditions:
Cardiovascular phenotype. Identifiers: MedGen CN230736.
DK1-congenital disorder of glycosylation. Also called: DK1-CDG; DOLK-congenital disorder of glycosylation; Carbohydrate deficient glycoprotein syndrome type 1m; CONGENITAL DISORDER OF GLYCOSYLATION, TYPE Im; CDG Im; DK1 DEFICIENCY. Identifiers: Orphanet 91131, MedGen C1835849, MONDO:0012556, OMIM 610768.

Allele frequency attached by ClinVar (database versions not stated): gnomAD 0.00044 and 0.00076; TOPMed 0.00049; ESP Exome Variant Server 0.00069; gnomAD exomes 0.00094 and 0.00168; ExAC 0.00195; 1000 Genomes Project 30x 0.00297; 1000 Genomes Project 0.00319.

Submissions (10):

Women's Health and Genetics/Laboratory Corporation of America, LabCorp
Classification: Likely benign. Last evaluated: 2026-04-03. Review status: criteria provided, single submitter. Criteria: LabCorp Variant Classification Summary - May 2015. Collection method: clinical testing. Allele origin: germline.
Comment: Variant summary: DOLK c.1450A>G (p.Ile484Val) results in a conservative amino acid change in the encoded protein sequence. Algorithms developed to predict the effect of missense changes on protein structure and function are either unavailable or do not agree on the potential impact of this missense change. The variant allele was found at a frequency of 0.0017 in 251468 control chromosomes, predominantly at a frequency of 0.01 within the South Asian subpopulation in the gnomAD database, including 9 homozygotes. The observed variant frequency within South Asian control individuals in the gnomAD database exceeds the estimated maximal expected allele frequency for disease-causing variants in DOLK. c.1450A>G has been observed in an individual affected with L Carnitine deficiency, speech delay, and elevated pyruvic acid and ethylmalonic acid, without strong evidence of causality (Jalkh_2019). This report does not provide unequivocal conclusions about association of the variant with DK1-Congenital Disorder Of Glycosylation. To our knowledge, no experimental evidence demonstrating an impact on protein function has been reported. The following publication has been ascertained in the context of this evaluation (PMID: 30665423). ClinVar contains an entry for this variant (Variation ID: 226616). Based on the evidence outlined above, the variant was classified as likely benign.

Labcorp Genetics (formerly Invitae), Labcorp
Classification: Benign for DK1-congenital disorder of glycosylation. Last evaluated: 2026-01-28. Review status: criteria provided, single submitter. Criteria: Invitae Variant Classification Sherloc (09022015). Collection method: clinical testing. Allele origin: germline.

Mayo Clinic Laboratories, Mayo Clinic
Classification: Benign. Last evaluated: 2025-06-05. Review status: criteria provided, single submitter. Criteria: ACMG Guidelines, 2015. Collection method: clinical testing. Allele origin: germline. Observed: 1 variant allele.
Comment: BS1, BS2, BP4_moderate

CeGaT Center for Human Genetics Tuebingen
Classification: Likely benign. Last evaluated: 2025-06-01. Review status: criteria provided, single submitter. Criteria: CeGaT Center For Human Genetics Tuebingen Variant Classification Criteria Version 2. Collection method: clinical testing. Allele origin: germline. Affected: yes. Observed: 3 variant alleles.
Comment: DOLK: BS2

Molecular Diagnostic Laboratory for Inherited Cardiovascular Disease, Montreal Heart Institute
Classification: Likely benign. Last evaluated: 2025-04-09. Review status: criteria provided, single submitter. Criteria: ACMG Guidelines, 2015. Collection method: clinical testing. Allele origin: germline. Affected: no.

Ambry Genetics
Classification: Likely benign for Cardiovascular phenotype. Last evaluated: 2019-01-02. Review status: criteria provided, single submitter. Criteria: Ambry Variant Classification Scheme 2023. Collection method: clinical testing. Allele origin: germline.

Illumina Laboratory Services, Illumina
Classification: Likely benign for DK1-congenital disorder of glycosylation. Last evaluated: 2018-01-12. Review status: criteria provided, single submitter. Criteria: ICSL Variant Classification Criteria 13 December 2019. Collection method: clinical testing. Allele origin: germline.
Comment: This variant was observed in the ICSL laboratory as part of a predisposition screen in an ostensibly healthy population. It had not been previously curated by ICSL or reported in the Human Gene Mutation Database (HGMD: prior to June 1st, 2018), and was therefore a candidate for classification through an automated scoring system. Utilizing variant allele frequency, disease prevalence and penetrance estimates, and inheritance mode, an automated score was calculated to assess if this variant is too frequent to cause the disease. Based on the score and internal cut-off values, a variant classified as likely benign is not then subjected to further curation. The score for this variant resulted in a classification of likely benign for this disease.

GeneDx
Classification: Benign. Last evaluated: 2016-11-15. Review status: criteria provided, single submitter. Criteria: GeneDx Variant Classification (06012015). Collection method: clinical testing. Allele origin: germline. Affected: yes.
Comment: This variant is considered likely benign or benign based on one or more of the following criteria: it is a conservative change, it occurs at a poorly conserved position in the protein, it is predicted to be benign by multiple in silico algorithms, and/or has population frequency not consistent with disease.

Laboratory for Molecular Medicine, Mass General Brigham Personalized Medicine
Classification: Benign. Last evaluated: 2015-03-11. Review status: criteria provided, single submitter. Criteria: LMM Criteria. Collection method: clinical testing. Allele origin: germline. Observed: 3 variant alleles.
Comment: p.Ile484Val in exon 1 of DOLK: This variant is not expected to have clinical sig nificance it has been identified in 1.1% (183/16512) of South Asian chromosomes by the Exome Aggregation Consortium (ExAC; dbSNP rs147630977).

Breakthrough Genomics
Classification: Likely benign. Review status: criteria provided, single submitter. Criteria: ACMG Guidelines, 2015. Collection method: not provided. Allele origin: germline. Inheritance: Autosomal recessive inheritance. Affected: yes.

Literature cited by the submitters: PubMed 30665423 (cited by Women's Health and Genetics/Laboratory Corporation of America, LabCorp).